The following is an entry in ClinVar:

ClinVar aggregate classification (germline): Benign/Likely benign. Review status: criteria provided, multiple submitters, no conflicts (2 of 4 stars). 9 submissions from 8 submitters: Benign (5); Likely benign (4). Last evaluated 2026-06-01.

Conditions:
SYNE1-related disorder. Also called: SYNE1-related disorders; SYNE1-related disease; SYNE1-related condition.
Autosomal recessive ataxia, Beauce type. Also called: ATAXIA, RECESSIVE, OF BEAUCE; Spinocerebellar ataxia, autosomal recessive 8; SYNE1-Related Autosomal Recessive Cerebellar Ataxia; SYNE1 Deficiency. Identifiers: Orphanet 88644, MedGen C1853116, MONDO:0012549, OMIM 610743.
Emery-Dreifuss muscular dystrophy 4, autosomal dominant (EDMD4). Also called: EMERY-DREIFUSS MUSCULAR DYSTROPHY 4 WITH VARIABLE FEATURES. Identifiers: Orphanet 261, MedGen C2751807, MONDO:0013071, OMIM 612998.

Allele frequency attached by ClinVar (database versions not stated): gnomAD exomes 0.00139; ExAC 0.00171; ESP Exome Variant Server 0.00269; gnomAD 0.00274 and 0.00286; TOPMed 0.00289; 1000 Genomes Project 30x 0.00453; 1000 Genomes Project 0.00519.
gnomAD v4.1: 1,546 of 1,613,894 alleles (0.096%); highest among the groups gnomAD compares: African/African-American, 0.93%; 14 homozygotes.

Submissions (9):

CeGaT Center for Human Genetics Tuebingen
Classification: Likely benign. Last evaluated: 2026-06-01. Review status: criteria provided, single submitter. Criteria: CeGaT Center For Human Genetics Tuebingen Variant Classification Criteria Version 2. Collection method: clinical testing. Allele origin: germline. Affected: yes. Observed: 2 variant alleles.
Comment: SYNE1: BP4, BP7, BS2

PreventionGenetics, part of Exact Sciences
Classification: Benign for SYNE1-related condition. Last evaluated: 2026-04-03. Review status: criteria provided, single submitter. Criteria: ACMG Guidelines, 2015. Collection method: clinical testing. Allele origin: germline.
Comment: This variant is classified as benign based on ACMG/AMP sequence variant interpretation guidelines (Richards et al. 2015 PMID: 25741868, with internal and published modifications).

Labcorp Genetics (formerly Invitae), Labcorp
Classification: Benign for Emery-Dreifuss muscular dystrophy 4, autosomal dominant; Autosomal recessive ataxia, Beauce type. Last evaluated: 2026-01-12. Review status: criteria provided, single submitter. Criteria: Invitae Variant Classification Sherloc (09022015). Collection method: clinical testing. Allele origin: germline.

Athena Diagnostics
Classification: Benign. Last evaluated: 2024-07-05. Review status: criteria provided, single submitter. Criteria: Athena Diagnostics Criteria. Collection method: clinical testing. Allele origin: unknown.

GeneDx
Classification: Likely benign. Last evaluated: 2021-01-06. Review status: criteria provided, single submitter. Criteria: GeneDx Variant Classification Process June 2021. Collection method: clinical testing. Allele origin: germline. Affected: yes.

Mayo Clinic Laboratories, Mayo Clinic
Classification: Benign. Last evaluated: 2018-02-21. Review status: criteria provided, single submitter. Criteria: ACMG Guidelines, 2015. Collection method: clinical testing. Allele origin: germline. Observed: 3 variant alleles.

Illumina Laboratory Services, Illumina
Classification: Likely benign for Autosomal recessive ataxia, Beauce type. Last evaluated: 2018-01-12. Review status: criteria provided, single submitter. Criteria: ICSL Variant Classification Criteria 13 December 2019. Collection method: clinical testing. Allele origin: germline.
Comment: This variant was observed in the ICSL laboratory as part of a predisposition screen in an ostensibly healthy population. It had not been previously curated by ICSL or reported in the Human Gene Mutation Database (HGMD: prior to June 1st, 2018), and was therefore a candidate for classification through an automated scoring system. Utilizing variant allele frequency, disease prevalence and penetrance estimates, and inheritance mode, an automated score was calculated to assess if this variant is too frequent to cause the disease. Based on the score and internal cut-off values, a variant classified as likely benign is not then subjected to further curation. The score for this variant resulted in a classification of likely benign for this disease.

Illumina Laboratory Services, Illumina
Classification: Benign for Emery-Dreifuss muscular dystrophy 4, autosomal dominant. Last evaluated: 2018-01-12. Review status: criteria provided, single submitter. Criteria: ICSL Variant Classification Criteria 13 December 2019. Collection method: clinical testing. Allele origin: germline.
Comment: This variant was observed in the ICSL laboratory as part of a predisposition screen in an ostensibly healthy population. It had not been previously curated by ICSL or reported in the Human Gene Mutation Database (HGMD: prior to June 1st, 2018), and was therefore a candidate for classification through an automated scoring system. Utilizing variant allele frequency, disease prevalence and penetrance estimates, and inheritance mode, an automated score was calculated to assess if this variant is too frequent to cause the disease. Based on the score and internal cut-off values, a variant classified as benign is not then subjected to further curation. The score for this variant resulted in a classification of benign for this disease.

Eurofins Ntd Llc (ga)
Classification: Likely benign. Last evaluated: 2015-09-15. Review status: criteria provided, single submitter. Criteria: EGL Classification Definitions 2015. Collection method: clinical testing. Allele origin: germline. Observed: 1 variant allele, 1 heterozygote.

NM_182961.4(SYNE1):c.13863G>A (p.Thr4621=)

Gene: SYNE1 (spectrin repeat containing nuclear envelope protein 1; minus strand). Cytogenetic location: 6q25.2.
Variant type: single nucleotide variant.
Coding change: c.13863G>A on transcript NM_182961.4 (MANE Select); coding-DNA position 13863, G replaced by A.
Protein change: p.Thr4621=; no amino-acid change (threonine 4621 retained).
Molecular consequence: synonymous variant.
Genome position (GRCh38, 1-based): chr6:152,330,822, C>T on the plus strand (G>A on the coding strand, the complement: SYNE1 is on the minus strand). VCF-style: chr6-152330822-C-T. GRCh37 (hg19) VCF-style: chr6-152651957-C-T.
Other names: p.Thr4550=; c.13650G>A, p.Thr4550= (NM_033071.5).
Identifiers: ClinVar variation 283313 (VCV000283313.64), dbSNP rs112266645, ClinGen allele CA4056110.